The following is an entry in ClinVar:

ClinVar aggregate classification (germline): Uncertain significance (1 of 4 stars; one submission).

Conditions:
CDH23-related disorder. Also called: CDH23-related disorders; CDH23-related condition.

Submission:

PreventionGenetics, part of Exact Sciences
Classification: Uncertain significance for CDH23-related condition. Last evaluated: 2025-03-12. Review status: criteria provided, single submitter. Criteria: ACMG Guidelines, 2015. Collection method: clinical testing. Allele origin: germline.
Comment: The CDH23 c.3138G>T variant is predicted to result in the amino acid substitution p.Arg1046Ser. This variant is present in the intronic region of the main transcript, NM_022124: c.3106+32G>T, and is not predicted to impact splicing. This variant is present in the coding region of an alternative transcript, NM_001171931:c.3138G>T, which is predicted to result in an amino acid substitution p.(Arg1046Ser). To our knowledge, this variant has not been reported in the literature or in a large population database (gnomAD), indicating this variant is rare. At this time, the clinical significance of this variant is uncertain due to the absence of conclusive functional and genetic evidence.

NM_022124.6(CDH23):c.3106+32G>T

Gene: CDH23 (cadherin related 23; plus strand). Cytogenetic location: 10q22.1.
Variant type: single nucleotide variant.
Coding change: c.3106+32G>T on transcript NM_022124.6 (MANE Select); 32 bases into the intron after coding-DNA position 3106, G replaced by T.
Molecular consequence: intron variant. On other transcripts: missense variant (1).
Genome position (GRCh38, 1-based): chr10:71,707,081, G>T. VCF-style: chr10-71707081-G-T. GRCh37 (hg19) VCF-style: chr10-73466838-G-T.
Other names: c.3138G>T, p.Arg1046Ser (NM_001171931.2); c.3106+32G>T (NM_001171930.2); short protein forms R1046S.
Identifiers: ClinVar variation 4988985 (VCV004988985.1).